The following is an entry in ClinVar:

NM_031892.3(SH3KBP1):c.1213C>T (p.Pro405Ser)

Gene: SH3KBP1 (SH3 domain containing kinase binding protein 1; minus strand). Cytogenetic location: Xp22.12.
Variant type: single nucleotide variant.
Coding change: c.1213C>T on transcript NM_031892.3 (MANE Select); coding-DNA position 1213, C replaced by T.
Protein change: p.Pro405Ser; replaces proline 405 with serine.
Molecular consequence: missense variant.
Genome position (GRCh38, 1-based): chrX:19,588,728, G>A on the plus strand (C>T on the coding strand, the complement: SH3KBP1 is on the minus strand). VCF-style: chrX-19588728-G-A. GRCh37 (hg19) VCF-style: chrX-19606846-G-A.
Other names: c.1102C>T, p.Pro368Ser (NM_001024666.3); c.499C>T, p.Pro167Ser (NM_001184960.2, NM_001353897.2); c.1213C>T, p.Pro405Ser (NM_001353890.2); c.1288C>T, p.Pro430Ser (NM_001353891.2, NM_001353892.2); c.1111C>T, p.Pro371Ser (NM_001353893.2, NM_001353894.2); c.1168C>T, p.Pro390Ser (NM_001353895.2); c.1345C>T, p.Pro449Ser (NM_001410756.1, NM_001410757.1); c.1036C>T, p.Pro346Ser (NM_001410758.1); short protein forms P167S, P346S, P368S, P371S, P390S, P405S, P449S, P430S.
Identifiers: ClinVar variation 2769153 (VCV002769153.3), dbSNP rs936840141, ClinGen allele CA412499589.
Genomic context (GRCh38, chrX:19,588,728, plus strand): 5'-GTCTCTCCGGCCTTCTCGGGGGCAGTGCGCCAGGTCTGCTGAGAGAATTGGTCTTAGGTG[G>A]CCGAGGCTTTTTTGGCGGTATGGCAGGAACGGAGGGCTTCTGTAAATCCAGTTTTGGCTC-3'
Protein context (NP_114098.1, residues 395-415): VPAIPPKKPR[Pro405Ser]PKTNSLSRPG

ClinVar aggregate classification (germline): Uncertain significance (1 of 4 stars; one submission).

Submission:

Labcorp Genetics (formerly Invitae), Labcorp
Classification: Uncertain significance. Last evaluated: 2023-11-03. Review status: criteria provided, single submitter. Criteria: Invitae Variant Classification Sherloc (09022015). Collection method: clinical testing. Allele origin: germline.
Comment: This sequence change replaces proline, which is neutral and non-polar, with serine, which is neutral and polar, at codon 405 of the SH3KBP1 protein (p.Pro405Ser). This variant is not present in population databases (gnomAD no frequency). This variant has not been reported in the literature in individuals affected with SH3KBP1-related conditions. Advanced modeling of protein sequence and biophysical properties (such as structural, functional, and spatial information, amino acid conservation, physicochemical variation, residue mobility, and thermodynamic stability) performed at Invitae indicates that this missense variant is not expected to disrupt SH3KBP1 protein function with a negative predictive value of 80%. In summary, the available evidence is currently insufficient to determine the role of this variant in disease. Therefore, it has been classified as a Variant of Uncertain Significance.